The following is an entry in ClinVar:

ClinVar aggregate classification (germline): Uncertain significance (1 of 4 stars; one submission).

Allele frequency attached by ClinVar (database versions not stated): TOPMed below 0.00001.

Submission:

Labcorp Genetics (formerly Invitae), Labcorp
Classification: Uncertain significance. Last evaluated: 2024-03-06. Review status: criteria provided, single submitter. Criteria: Invitae Variant Classification Sherloc (09022015). Collection method: clinical testing. Allele origin: germline.
Comment: This sequence change replaces lysine, which is basic and polar, with arginine, which is basic and polar, at codon 61 of the HOXB13 protein (p.Lys61Arg). This variant is not present in population databases (gnomAD no frequency). This variant has not been reported in the literature in individuals affected with HOXB13-related conditions. ClinVar contains an entry for this variant (Variation ID: 2088414). An algorithm developed to predict the effect of missense changes on protein structure and function (PolyPhen-2) suggests that this variant is likely to be disruptive. In summary, the available evidence is currently insufficient to determine the role of this variant in disease. Therefore, it has been classified as a Variant of Uncertain Significance.

NM_006361.6(HOXB13):c.182A>G (p.Lys61Arg)

Gene: HOXB13 (homeobox B13; minus strand). Cytogenetic location: 17q21.32.
Variant type: single nucleotide variant.
Coding change: c.182A>G on transcript NM_006361.6 (MANE Select); coding-DNA position 182, A replaced by G.
Protein change: p.Lys61Arg; replaces lysine 61 with arginine.
Molecular consequence: missense variant.
Genome position (GRCh38, 1-based): chr17:48,728,412, T>C on the plus strand (A>G on the coding strand, the complement: HOXB13 is on the minus strand). VCF-style: chr17-48728412-T-C. GRCh37 (hg19) VCF-style: chr17-46805774-T-C.
Other names: short protein forms K61R.
Identifiers: ClinVar variation 2088414 (VCV002088414.4), dbSNP rs568967699, ClinGen allele CA400108924.